The following is an entry in ClinVar:

NM_000393.5(COL5A2):c.370-16C>T

Gene: COL5A2 (collagen type V alpha 2 chain; minus strand). Cytogenetic location: 2q32.2.
Variant type: single nucleotide variant.
Coding change: c.370-16C>T on transcript NM_000393.5 (MANE Select); 16 bases into the intron before coding-DNA position 370, C replaced by T.
Molecular consequence: intron variant.
Genome position (GRCh38, 1-based): chr2:189,098,775, G>A on the plus strand (C>T on the coding strand, the complement: COL5A2 is on the minus strand). VCF-style: chr2-189098775-G-A. GRCh37 (hg19) VCF-style: chr2-189963501-G-A.
Identifiers: ClinVar variation 136968 (VCV000136968.27), dbSNP rs148220961, ClinGen allele CA290416.

ClinVar aggregate classification (germline): Benign/Likely benign. Review status: criteria provided, multiple submitters, no conflicts (2 of 4 stars). 8 submissions from 8 submitters: Benign (5); Likely benign (3). Last evaluated 2026-02-04.

Conditions:
Ehlers-Danlos syndrome, classic type, 2 (EDSCL2). Also called: Ehlers-Danlos syndrome, type 2; Ehlers-Danlos syndrome type 2 (formerly); Ehlers-Danlos Syndrome, Classic Type, COL5A2-Related. Identifiers: Orphanet 287, Orphanet 90318, MedGen C0268336, MONDO:0019568, OMIM 130010.
Ehlers-Danlos syndrome, classic type, 1 (EDSCL1). Also called: Ehlers-Danlos syndrome, type 1; EHLERS-DANLOS SYNDROME, GRAVIS TYPE; EHLERS-DANLOS SYNDROME, SEVERE CLASSIC TYPE; Ehlers-Danlos Syndrome, Classic Type, COL5A1-Related; EDS I. Identifiers: MedGen C0268335, MONDO:0019567, OMIM 130000.
Ehlers-Danlos syndrome, classic type (cEDS). Identifiers: Orphanet 287, MedGen C4225429, MONDO:0007522.

Allele frequency attached by ClinVar (database versions not stated): 1000 Genomes Project 0.00439; 1000 Genomes Project 30x 0.00484; ExAC 0.00638; ESP Exome Variant Server 0.00684; gnomAD 0.00708 and 0.00748; gnomAD exomes 0.00737 and 0.00752; TOPMed 0.00826.
gnomAD v4.1: 12,115 of 1,609,678 alleles (0.75%); highest among the groups gnomAD compares: Middle Eastern, 1.6%; 78 homozygotes.

Submissions (8):

Labcorp Genetics (formerly Invitae), Labcorp
Classification: Benign for Ehlers-Danlos syndrome, classic type, 1. Last evaluated: 2026-02-04. Review status: criteria provided, single submitter. Criteria: Invitae Variant Classification Sherloc (09022015). Collection method: clinical testing. Allele origin: germline.

ARUP Laboratories, Molecular Genetics and Genomics, ARUP Laboratories
Classification: Benign for Ehlers-Danlos syndrome, classic type, 2. Last evaluated: 2025-07-02. Review status: criteria provided, single submitter. Criteria: ARUP Molecular Germline Variant Investigation Process 2024. Collection method: clinical testing. Allele origin: germline.

Blueprint Genetics
Classification: Likely benign. Last evaluated: 2024-11-26. Review status: criteria provided, single submitter. Criteria: ACMG Guidelines, 2015. Collection method: clinical testing. Allele origin: germline.

Women's Health and Genetics/Laboratory Corporation of America, LabCorp
Classification: Benign. Last evaluated: 2017-03-16. Review status: criteria provided, single submitter. Criteria: LabCorp Variant Classification Summary - May 2015. Collection method: clinical testing. Allele origin: germline.
Comment: Variant summary: The COL5A2 c.370-16C>T variant involves the alteration of a non-conserved intronic nucleotide. One in silico tool predicts a benign outcome for this variant. 5/5 splice prediction tools predict no significant impact on normal splicing while ESE finder predicts the loss of a SRp40 binding motif. However, these predictions have yet to be confirmed by functional studies. The variant of interest has been observed in a large, broad control population, ExAC, in 762/119346 control chromosomes (2 homozygotes) at a frequency of 0.0063848, which is approximately 1022 times the estimated maximal expected allele frequency of a pathogenic COL5A2 variant (0.0000063), suggesting this variant is likely a benign polymorphism. In addition, multiple clinical diagnostic laboratories/reputable databases classified this variant as benign. The variant of interest has not, to our knowledge, been reported in affected individuals via publications nor evaluated for functional impact by in vivo/vitro studies. Taken together, this variant is classified as benign.

Center for Human Genetics, Inc
Classification: Likely benign for Ehlers-Danlos syndrome, classic type, 1. Last evaluated: 2016-11-01. Review status: criteria provided, single submitter. Criteria: ACMG Guidelines, 2015. Collection method: clinical testing. Allele origin: germline. Affected: yes.

GeneDx
Classification: Benign. Last evaluated: 2012-11-29. Review status: criteria provided, single submitter. Criteria: GeneDx Variant Classification (06012015). Collection method: clinical testing. Allele origin: germline. Affected: yes.
Comment: This variant is considered likely benign or benign based on one or more of the following criteria: it is a conservative change, it occurs at a poorly conserved position in the protein, it is predicted to be benign by multiple in silico algorithms, and/or has population frequency not consistent with disease.

Breakthrough Genomics
Classification: Likely benign. Review status: criteria provided, single submitter. Criteria: ACMG Guidelines, 2015. Collection method: not provided. Allele origin: germline. Inheritance: Autosomal dominant inheritance. Affected: yes.

PreventionGenetics, part of Exact Sciences
Classification: Benign. Review status: criteria provided, single submitter. Criteria: ACMG Guidelines, 2015. Collection method: clinical testing. Allele origin: germline.